The following is an entry in ClinVar:

ClinVar aggregate classification (germline): Pathogenic/Likely pathogenic. Review status: criteria provided, multiple submitters, no conflicts (2 of 4 stars). 6 submissions from 6 submitters: Pathogenic (5); Likely pathogenic (1). Last evaluated 2025-12-26.

Conditions:
Retinitis pigmentosa 25 (RP25). Identifiers: Orphanet 791, MedGen C1864446, MONDO:0011272, OMIM 602772.
EYS-related disorder. Also called: EYS-related condition.

Submissions (6):

Natera, Inc.
Classification: Pathogenic for Retinitis pigmentosa type 25. Last evaluated: 2025-12-26. Review status: criteria provided, single submitter. Criteria: Natera Variant Classification Schema (03/2026). Collection method: clinical testing. Allele origin: germline.
Comment: The c.9383_9387delAATTA variant in EYS is a frameshift variant predicted to shift the reading frame beginning at codon 3128 and leads to a stop codon 7 codons downstream. This variant is expected to result in nonsense mediated decay, truncation, or a dysfunctional protein product. This variant is rare in the general population with a frequency below the threshold expected for the associated phenotype(s). This variant has been observed in one or more individuals affected with the associated recessive disease, as either homozygous or compound heterozygous with a second variant (PMID: 30153090, 33090715). Given the available evidence, this variant is classified as Pathogenic.

Labcorp Genetics (formerly Invitae), Labcorp
Classification: Pathogenic. Last evaluated: 2025-06-25. Review status: criteria provided, single submitter. Criteria: Invitae Variant Classification Sherloc (09022015). Collection method: clinical testing. Allele origin: germline.
Comment: This sequence change creates a premature translational stop signal (p.Lys3128Argfs*7) in the EYS gene. While this is not anticipated to result in nonsense mediated decay, it is expected to disrupt the last 17 amino acid(s) of the EYS protein. This variant is not present in population databases (gnomAD no frequency). This premature translational stop signal has been observed in individuals with retinitis pigmentosa (PMID: 29550188, 30153090). ClinVar contains an entry for this variant (Variation ID: 865915). This variant disrupts a region of the EYS protein in which other variant(s) (p.Tyr3135*) have been determined to be pathogenic (PMID: 18976725, 30337596). This suggests that this is a clinically significant region of the protein, and that variants that disrupt it are likely to be disease-causing. For these reasons, this variant has been classified as Pathogenic.

Fulgent Genetics
Classification: Pathogenic for Retinitis pigmentosa 25. Last evaluated: 2024-06-14. Review status: criteria provided, single submitter. Criteria: ACMG Guidelines, 2015. Collection method: clinical testing. Allele origin: germline.

Baylor Genetics
Classification: Pathogenic for Retinitis pigmentosa 25. Last evaluated: 2023-12-14. Review status: criteria provided, single submitter. Criteria: ACMG Guidelines, 2015. Collection method: clinical testing. Allele origin: unknown.

Blueprint Genetics
Classification: Pathogenic for EYS-related disorders. Last evaluated: 2023-08-18. Review status: criteria provided, single submitter. Criteria: ACMG Guidelines, 2015. Collection method: clinical testing. Allele origin: germline. Affected: yes. Observed: 5 variant alleles.

GeneDx
Classification: Likely pathogenic. Last evaluated: 2023-03-06. Review status: criteria provided, single submitter. Criteria: GeneDx Variant Classification Process June 2021. Collection method: clinical testing. Allele origin: germline. Affected: yes.
Comment: Frameshift variant predicted to result in protein extension, as the last 17 amino acids are replaced with 22 different amino acids; Not observed at significant frequency in large population cohorts (gnomAD); This variant is associated with the following publications: (PMID: 30153090, 29550188, 33090715, 32728228)

Literature cited by the submitters: PubMed 30153090 (cited by Natera, Inc. and Labcorp Genetics (formerly Invitae), Labcorp); PubMed 33090715 (cited by Natera, Inc.); PubMed 29550188 (cited by Labcorp Genetics (formerly Invitae), Labcorp); PubMed 18976725 (cited by Labcorp Genetics (formerly Invitae), Labcorp); PubMed 30337596 (cited by Labcorp Genetics (formerly Invitae), Labcorp).

NM_001142800.2(EYS):c.9383_9387del (p.Lys3128fs)

Genes: EYS (EGF-like photoreceptor maintenance factor; minus strand), PHF3 (PHD finger protein 3; plus strand). Cytogenetic location: 6q12.
Variant type: Microsatellite.
Coding change: c.9383_9387del on transcript NM_001142800.2 (MANE Select); coding-DNA positions 9383 to 9387, 5 bases deleted (AATTA; older notation c.9383_9387delAATTA).
Protein change: p.Lys3128fs; shifts the reading frame from lysine 3128.
Molecular consequence: frameshift variant. On other transcripts: 3 prime UTR variant (5).
Genome position (GRCh38, 1-based): chr6:63,720,644-63,720,648, TAATT deleted on the plus strand (AATTA on the coding strand, the reverse complement: EYS is on the minus strand); deleting any 5 consecutive bases within chr6:63,720,644-63,720,653 gives the same sequence; the c. name uses the placement nearest the transcript's 3' end. VCF-style (leftmost placement, unchanged base first): chr6-63720643-CTAATT-C. GRCh37 (hg19) VCF-style: chr6-64430539-CTAATT-C.
Other names: c.*6936TAATT[1] (NM_001290259.2, NM_001370348.2, NM_001370349.2 and 2 more transcripts); c.9446_9450del, p.Lys3149fs (NM_001292009.2); c.9383_9387delAATTA (NM_001142800.1); short protein forms K3128fs, K3149fs.
Identifiers: ClinVar variation 865915 (VCV000865915.15), dbSNP rs1409801782, ClinGen allele CA826968470.
Genomic context (GRCh38, chr6:63,720,643, plus strand): 5'-CTCTAGTGTTAACTTATGTAACCTCATTTTGTTCATCTCCATCATAAACATTGTATCCTT[CTAATT>C]TAATTAGTTCAATGTTTTTTGGTTCCTGAAAAAATACAACATCTTTAATTTTGCCAACAA-3'